The following is an entry in ClinVar:

NM_003140.3(SRY):c.589C>A (p.Arg197Ser)

Gene: SRY (sex determining region Y; minus strand). Cytogenetic location: Yp11.2.
Variant type: single nucleotide variant.
Coding change: c.589C>A on transcript NM_003140.3 (MANE Select); coding-DNA position 589, C replaced by A.
Protein change: p.Arg197Ser; replaces arginine 197 with serine.
Molecular consequence: missense variant.
Genome position (GRCh38, 1-based): chrY:2,787,015, G>T on the plus strand (C>A on the coding strand, the complement: SRY is on the minus strand). VCF-style: chrY-2787015-G-T. GRCh37 (hg19) VCF-style: chrY-2655056-G-T.
Other names: short protein forms R197S.
Identifiers: ClinVar variation 1505389 (VCV001505389.6), dbSNP rs756606002, ClinGen allele CA337437888.
Genomic context (GRCh38, chrY:2,787,015, plus strand): 5'-GGTAGGTCTTTGTAGCCAATGTTACCCGATTGTCCTACAGCTTTGTCCAGTGGCTGTAGC[G>T]GTCCCGTTGCTGCGGTGAGCTGGCTGCGTTGATGGGCGGTAAGTGGCCTAGCTGGTGCTC-3'
Protein context (NP_003131.1, residues 187-204): NAASSPQQRD[Arg197Ser]YSHWTKL

ClinVar aggregate classification (germline): Uncertain significance (1 of 4 stars; one submission).

Conditions:
46,XY sex reversal 1. Also called: SRY-related 46,XY complete gonadal dysgenesis; 46,XY SEX REVERSAL, SRY-RELATED. Identifiers: Orphanet 242, MedGen C2748896, MONDO:0020712, OMIM 400044.

Allele frequency attached by ClinVar (database versions not stated): gnomAD exomes 0.00001.

Submission:

Labcorp Genetics (formerly Invitae), Labcorp
Classification: Uncertain significance for 46,XY sex reversal 1. Last evaluated: 2023-09-13. Review status: criteria provided, single submitter. Criteria: Invitae Variant Classification Sherloc (09022015). Collection method: clinical testing. Allele origin: germline.
Comment: This variant has not been reported in the literature in individuals affected with SRY-related conditions. In summary, the available evidence is currently insufficient to determine the role of this variant in disease. Therefore, it has been classified as a Variant of Uncertain Significance. An algorithm developed to predict the effect of missense changes on protein structure and function (PolyPhen-2) suggests that this variant is likely to be tolerated. ClinVar contains an entry for this variant (Variation ID: 1505389). The frequency data for this variant in the population databases is considered unreliable, as metrics indicate insufficient coverage at this position in the gnomAD database. This sequence change replaces arginine, which is basic and polar, with serine, which is neutral and polar, at codon 197 of the SRY protein (p.Arg197Ser).